The following is an entry in ClinVar:

ClinVar aggregate classification (germline): Conflicting classifications of pathogenicity. Review status: criteria provided, conflicting classifications (1 of 4 stars). 2 submissions from 2 submitters: Uncertain significance (1); Likely benign (1). Last evaluated 2025-03-07.

Conditions:
Hereditary nonpolyposis colorectal neoplasms. Identifiers: MedGen C0009405, MeSH D003123.
Hereditary cancer-predisposing syndrome. Also called: Hereditary neoplastic syndrome; Hereditary Cancer Syndrome; Neoplastic Syndromes, Hereditary; Tumor predisposition. Identifiers: Orphanet 140162, MedGen C0027672, MeSH D009386, MONDO:0015356.

Submissions (2):

Ambry Genetics
Classification: Uncertain significance for Hereditary cancer-predisposing syndrome. Last evaluated: 2025-03-07. Review status: criteria provided, single submitter. Criteria: Ambry Variant Classification Scheme 2023. Collection method: clinical testing. Allele origin: germline.
Comment: The c.2446-5_2446-2delCTCA intronic variant, located in intron 14 of the PMS2 gene, results from a deletion of 4 nucleotides within intron 14 of the PMS2 gene. This nucleotide region is well conserved in available vertebrate species. In silico splice site analysis predicts that this alteration will not have any significant effect on splicing. Since supporting evidence is limited at this time, the clinical significance of this alteration remains unclear.

Labcorp Genetics (formerly Invitae), Labcorp
Classification: Likely benign for Hereditary nonpolyposis colorectal neoplasms. Last evaluated: 2025-02-19. Review status: criteria provided, single submitter. Criteria: Invitae Variant Classification Sherloc (09022015). Collection method: clinical testing. Allele origin: germline.

NM_000535.7(PMS2):c.2446-5_2446-2del

Gene: PMS2 (PMS1 homolog 2, mismatch repair system component; minus strand). Cytogenetic location: 7p22.1.
Variant type: Deletion.
Coding change: c.2446-5_2446-2del on transcript NM_000535.7 (MANE Select); 5 bases into the intron before coding-DNA position 2446 through the canonical splice acceptor site of the intron before coding-DNA position 2446, 4 bases deleted (CTCA; older notation c.2446-5_2446-2delCTCA).
Molecular consequence: splice acceptor variant.
Genome position (GRCh38, 1-based): chr7:5,973,544-5,973,547, TGAG deleted on the plus strand (CTCA on the coding strand, the reverse complement: PMS2 is on the minus strand); deleting any 4 consecutive bases within chr7:5,973,544-5,973,549 gives the same sequence; the c. name uses the placement nearest the transcript's 3' end. VCF-style (leftmost placement, unchanged base first): chr7-5973543-CTGAG-C. GRCh37 (hg19) VCF-style: chr7-6013174-CTGAG-C.
Other names: c.2128-5_2128-2del (NM_001322008.2, NM_001322007.2); c.1885-5_1885-2del (NM_001322010.2); c.2041-5_2041-2del (NM_001322004.2, NM_001322003.2, NM_001322005.2); c.1873-5_1873-2del (NM_001322013.2); c.1513-5_1513-2del (NM_001322012.2, NM_001322011.2); c.2137-5_2137-2del (NM_001322015.2); c.2290-5_2290-2del (NM_001322006.2); c.2479-5_2479-2del (NM_001322014.2); and 2 more.
Identifiers: ClinVar variation 230036 (VCV000230036.17), dbSNP rs876658344, ClinGen allele CA10578641.